The following is an entry in ClinVar:

ClinVar aggregate classification (germline): Uncertain significance. Review status: criteria provided, multiple submitters, no conflicts (2 of 4 stars). 2 submissions from 2 submitters: Uncertain significance (2). Last evaluated 2025-11-19.

Conditions:
Hereditary cancer-predisposing syndrome. Also called: Hereditary Cancer Syndrome; Hereditary neoplastic syndrome; Neoplastic Syndromes, Hereditary; Tumor predisposition. Identifiers: Orphanet 140162, MedGen C0027672, MeSH D009386, MONDO:0015356.

Submissions (2):

Labcorp Genetics (formerly Invitae), Labcorp
Classification: Uncertain significance. Last evaluated: 2025-11-19. Review status: criteria provided, single submitter. Criteria: Invitae Variant Classification Sherloc (09022015). Collection method: clinical testing. Allele origin: germline.
Comment: This sequence change replaces serine, which is neutral and polar, with tyrosine, which is neutral and polar, at codon 31 of the HOXB13 protein (p.Ser31Tyr). This variant is not present in population databases (gnomAD no frequency). This variant has not been reported in the literature in individuals affected with HOXB13-related conditions. ClinVar contains an entry for this variant (Variation ID: 1766478). An algorithm developed to predict the effect of missense changes on protein structure and function (PolyPhen-2) suggests that this variant is likely to be tolerated. In summary, the available evidence is currently insufficient to determine the role of this variant in disease. Therefore, it has been classified as a Variant of Uncertain Significance.

Ambry Genetics
Classification: Uncertain significance for Hereditary cancer-predisposing syndrome. Last evaluated: 2025-01-17. Review status: criteria provided, single submitter. Criteria: Ambry Variant Classification Scheme 2023. Collection method: clinical testing. Allele origin: germline.
Comment: The p.S31Y variant (also known as c.92C>A), located in coding exon 1 of the HOXB13 gene, results from a C to A substitution at nucleotide position 92. The serine at codon 31 is replaced by tyrosine, an amino acid with dissimilar properties. This amino acid position is conserved. In addition, this alteration is predicted to be tolerated by in silico analysis. Since supporting evidence is limited at this time, the clinical significance of this alteration remains unclear.

NM_006361.6(HOXB13):c.92C>A (p.Ser31Tyr)

Gene: HOXB13 (homeobox B13; minus strand). Cytogenetic location: 17q21.32.
Variant type: single nucleotide variant.
Coding change: c.92C>A on transcript NM_006361.6 (MANE Select); coding-DNA position 92, C replaced by A.
Protein change: p.Ser31Tyr; replaces serine 31 with tyrosine.
Molecular consequence: missense variant.
Genome position (GRCh38, 1-based): chr17:48,728,502, G>T on the plus strand (C>A on the coding strand, the complement: HOXB13 is on the minus strand). VCF-style: chr17-48728502-G-T. GRCh37 (hg19) VCF-style: chr17-46805864-G-T.
Other names: short protein forms S31Y.
Identifiers: ClinVar variation 1766478 (VCV001766478.4), dbSNP rs758169931, ClinGen allele CA400109440.